The following is an entry in ClinVar:

NM_002294.3(LAMP2):c.*4963del

Gene: LAMP2 (lysosome associated membrane protein 2; minus strand). Cytogenetic location: Xq24.
Variant type: Deletion.
Coding change: c.*4963del on transcript NM_002294.3 (MANE Select); 4963 bases downstream of the stop codon, one base deleted (G; older notation c.*4963delG).
Molecular consequence: 3 prime UTR variant.
Genome position (GRCh38, 1-based): chrX:120,426,360, C deleted on the plus strand (G on the coding strand, the reverse complement: LAMP2 is on the minus strand). VCF-style (leftmost placement, unchanged base first): chrX-120426359-TC-T. GRCh37 (hg19) VCF-style: chrX-119560214-TC-T.
Other names: c.*2124del (NM_001122606.1).
Identifiers: ClinVar variation 367738 (VCV000367738.29), dbSNP rs754879365, ClinGen allele CA10645831.

ClinVar aggregate classification (germline): Likely benign (1 of 4 stars; one submission).

Allele frequency attached by ClinVar (database versions not stated): TOPMed 0.00093; gnomAD 0.00097 and 0.00099.

Submission:

CeGaT Center for Human Genetics Tuebingen
Classification: Likely benign. Last evaluated: 2022-12-01. Review status: criteria provided, single submitter. Criteria: CeGaT Center For Human Genetics Tuebingen Variant Classification Criteria Version 2. Collection method: clinical testing. Allele origin: germline. Affected: yes. Observed: 1 variant allele.
Comment: LAMP2: BS2